The following is an entry in ClinVar:

ClinVar aggregate classification (germline): Benign/Likely benign. Review status: criteria provided, multiple submitters, no conflicts (2 of 4 stars). 3 submissions from 3 submitters: Benign (2); Likely benign (1). Last evaluated 2025-09-16.

Allele frequency attached by ClinVar (database versions not stated): gnomAD 0.00026 and 0.00036; TOPMed 0.00042; ExAC 0.00061; 1000 Genomes Project 30x 0.00094; 1000 Genomes Project 0.00100.
gnomAD v4.1: 352 of 1,612,040 alleles (0.022%); highest among the groups gnomAD compares: East Asian, 0.67%; 2 homozygotes.

Submissions (3):

Labcorp Genetics (formerly Invitae), Labcorp
Classification: Benign. Last evaluated: 2025-09-16. Review status: criteria provided, single submitter. Criteria: Invitae Variant Classification Sherloc (09022015). Collection method: clinical testing. Allele origin: germline.

CeGaT Center for Human Genetics Tuebingen
Classification: Likely benign. Last evaluated: 2025-02-01. Review status: criteria provided, single submitter. Criteria: CeGaT Center For Human Genetics Tuebingen Variant Classification Criteria Version 2. Collection method: clinical testing. Allele origin: germline. Affected: yes. Observed: 1 variant allele.
Comment: ERBB4: BP4

Breakthrough Genomics
Classification: Benign. Review status: criteria provided, single submitter. Criteria: ACMG Guidelines, 2015. Collection method: not provided. Allele origin: germline. Inheritance: Autosomal dominant inheritance. Affected: yes.

NM_005235.3(ERBB4):c.1177C>A (p.Arg393=)

Gene: ERBB4 (erb-b2 receptor tyrosine kinase 4; minus strand). Cytogenetic location: 2q34.
Variant type: single nucleotide variant.
Coding change: c.1177C>A on transcript NM_005235.3 (MANE Select); coding-DNA position 1177, C replaced by A.
Protein change: p.Arg393=; no amino-acid change (arginine 393 retained).
Molecular consequence: synonymous variant.
Genome position (GRCh38, 1-based): chr2:211,705,339, G>T on the plus strand (C>A on the coding strand, the complement: ERBB4 is on the minus strand). VCF-style: chr2-211705339-G-T. GRCh37 (hg19) VCF-style: chr2-212570064-G-T.
Other names: c.1177C>A, p.Arg393= (NM_001042599.2).
Identifiers: ClinVar variation 732285 (VCV000732285.24), dbSNP rs55671017, ClinGen allele CA2088208.